The following is an entry in ClinVar:

NM_016247.4(IMPG2):c.21T>G (p.Phe7Leu)

Gene: IMPG2 (interphotoreceptor matrix proteoglycan 2; minus strand). Cytogenetic location: 3q12.3.
Variant type: single nucleotide variant.
Coding change: c.21T>G on transcript NM_016247.4 (MANE Select); coding-DNA position 21, T replaced by G.
Protein change: p.Phe7Leu; replaces phenylalanine 7 with leucine.
Molecular consequence: missense variant.
Genome position (GRCh38, 1-based): chr3:101,320,352, A>C on the plus strand (T>G on the coding strand, the complement: IMPG2 is on the minus strand). VCF-style: chr3-101320352-A-C. GRCh37 (hg19) VCF-style: chr3-101039196-A-C.
Other names: short protein forms F7L.
Identifiers: ClinVar variation 722319 (VCV000722319.15), dbSNP rs193120038, ClinGen allele CA2519581.

ClinVar aggregate classification (germline): Conflicting classifications of pathogenicity. Review status: criteria provided, conflicting classifications (1 of 4 stars). 5 submissions from 5 submitters: Uncertain significance (2); Likely benign (3). Last evaluated 2025-08-21.

Conditions:
Retinal dystrophy. Also called: Inherited retinal dystrophy. Identifiers: Orphanet 71862, MedGen C0854723, MeSH D058499, MONDO:0019118, HP:0000556.
IMPG2-related disorder. Also called: IMPG2-related condition.
Retinitis pigmentosa (RP). Identifiers: Orphanet 791, MedGen C0035334, MeSH D012174, MONDO:0019200, OMIM 268000. Inheritance: Autosomal dominant, autosomal recessive and X linked inheritance.

Allele frequency attached by ClinVar (database versions not stated): TOPMed 0.00003; gnomAD 0.00004 and 0.00009; gnomAD exomes 0.00014 and 0.00017; ExAC 0.00018; 1000 Genomes Project 30x 0.00031; 1000 Genomes Project 0.00040.
gnomAD v4.1: 259 of 1,607,484 alleles (0.016%); highest among the groups gnomAD compares: East Asian, 0.56%; no homozygotes.

Submissions (5):

Labcorp Genetics (formerly Invitae), Labcorp
Classification: Likely benign. Last evaluated: 2025-08-21. Review status: criteria provided, single submitter. Criteria: Invitae Variant Classification Sherloc (09022015). Collection method: clinical testing. Allele origin: germline.

PreventionGenetics, part of Exact Sciences
Classification: Likely benign for IMPG2-related condition. Last evaluated: 2025-04-18. Review status: criteria provided, single submitter. Criteria: ACMG Guidelines, 2015. Collection method: clinical testing. Allele origin: germline.
Comment: This variant is classified as likely benign based on ACMG/AMP sequence variant interpretation guidelines (Richards et al. 2015 PMID: 25741868, with internal and published modifications).

Dept Of Ophthalmology, Nagoya University
Classification: Likely benign for Retinal dystrophy. Last evaluated: 2023-10-01. Review status: criteria provided, single submitter. Criteria: Submitter's publication. Collection method: research. Allele origin: germline. Affected: yes.

Blueprint Genetics
Classification: Uncertain significance. Last evaluated: 2022-09-08. Review status: criteria provided, single submitter. Criteria: ACMG Guidelines, 2015. Collection method: clinical testing. Allele origin: germline.

Illumina Laboratory Services, Illumina
Classification: Uncertain significance for Retinitis pigmentosa. Last evaluated: 2018-01-13. Review status: criteria provided, single submitter. Criteria: ICSL Variant Classification Criteria 13 December 2019. Collection method: clinical testing. Allele origin: germline.